The following is an entry in ClinVar:

ClinVar aggregate classification (germline): Pathogenic (1 of 4 stars; one submission).

Conditions:
Hereditary cancer-predisposing syndrome. Also called: Neoplastic Syndromes, Hereditary; Tumor predisposition; Hereditary neoplastic syndrome; Hereditary Cancer Syndrome. Identifiers: Orphanet 140162, MedGen C0027672, MeSH D009386, MONDO:0015356.

Submission:

Ambry Genetics
Classification: Pathogenic for Hereditary cancer-predisposing syndrome. Last evaluated: 2023-12-06. Review status: criteria provided, single submitter. Criteria: Ambry Variant Classification Scheme 2023. Collection method: clinical testing. Allele origin: germline.
Comment: The c.3180dupA pathogenic mutation, located in coding exon 5 of the MSH6 gene, results from a duplication of A at nucleotide position 3180, causing a translational frameshift with a predicted alternate stop codon (p.L1061Tfs*5). This alteration is expected to result in loss of function by premature protein truncation or nonsense-mediated mRNA decay. As such, this alteration is interpreted as a disease-causing mutation.

NM_000179.3(MSH6):c.3180dup (p.Leu1061fs)

Gene: MSH6 (mutS homolog 6; plus strand). Cytogenetic location: 2p16.3.
Variant type: Duplication.
Coding change: c.3180dup on transcript NM_000179.3 (MANE Select); coding-DNA position 3180, one base duplicated (A; older notation c.3180dupA).
Protein change: p.Leu1061fs; shifts the reading frame from leucine 1061.
Molecular consequence: frameshift variant. On other transcripts: 5 prime UTR variant (1), non-coding transcript variant (5), intron variant (1).
Genome position (GRCh38, 1-based): chr2:47,803,427, A duplicated. VCF-style (leftmost placement, unchanged base first): chr2-47803426-T-TA. GRCh37 (hg19) VCF-style: chr2-48030565-T-TA.
Other names: c.2790dup, p.Leu931fs (NM_001281492.2); c.2274dup, p.Leu759fs (NM_001281493.2, NM_001281494.2, NM_001406811.1 and 6 more transcripts); c.3276dup, p.Leu1093fs (NM_001406795.1, NM_001406802.1); c.3180dup, p.Leu1061fs (NM_001406796.1, NM_001406800.1, NM_001406808.1 and 1 more transcripts); c.2883dup, p.Leu962fs (NM_001406797.1, NM_001406801.1, NM_001406805.1 and 10 more transcripts); c.2655dup, p.Leu886fs (NM_001406799.1, NM_001406806.1, NM_001406807.1); c.2316dup, p.Leu773fs (NM_001406803.1); c.3102dup, p.Leu1035fs (NM_001406804.1); and 8 more; short protein forms L1005fs, L1035fs, L1061fs, L1063fs, L1093fs, L10fs, L376fs, L539fs.
Identifiers: ClinVar variation 3230546 (VCV003230546.1), dbSNP rs2530757945, ClinGen allele CA2825001120.